The following is an entry in ClinVar:

ClinVar aggregate classification (germline): Uncertain significance (1 of 4 stars; one submission).

Submission:

Women's Health and Genetics/Laboratory Corporation of America, LabCorp
Classification: Uncertain significance. Last evaluated: 2020-08-31. Review status: criteria provided, single submitter. Criteria: LabCorp Variant Classification Summary - May 2015. Collection method: clinical testing. Allele origin: germline.
Comment: Variant summary: A2ML1 c.1475A>G (p.Tyr492Cys) results in a non-conservative amino acid change located in the Alpha-2-macroglobulin, bait region domain (IPR011625) of the encoded protein sequence. Three of five in-silico tools predict a damaging effect of the variant on protein function. Several computational tools predict an impact on normal splicing: One predicts the variant abolishes a 5 splicing donor site and another predicts the variant weakens a 5' donor site. However, these predictions have yet to be confirmed by functional studies. The variant was absent in 249018 control chromosomes (gnomAD). The available data on variant occurrences in the general population are insufficient to allow any conclusion about variant significance. To our knowledge, no occurrence of c.1475A>G in individuals affected with Noonan Syndrome and no experimental evidence demonstrating its impact on protein function have been reported. No clinical diagnostic laboratories have submitted clinical-significance assessments for this variant to ClinVar after 2014. Based on the evidence outlined above, the variant was classified as uncertain significance.

NM_144670.6(A2ML1):c.1475A>G (p.Tyr492Cys)

Gene: A2ML1 (alpha-2-macroglobulin like 1; plus strand). Cytogenetic location: 12p13.31.
Variant type: single nucleotide variant.
Coding change: c.1475A>G on transcript NM_144670.6 (MANE Select); coding-DNA position 1475, A replaced by G.
Protein change: p.Tyr492Cys; replaces tyrosine 492 with cysteine.
Molecular consequence: missense variant.
Genome position (GRCh38, 1-based): chr12:8,843,360, A>G. VCF-style: chr12-8843360-A-G. GRCh37 (hg19) VCF-style: chr12-8995956-A-G.
Other names: short protein forms Y492C.
Identifiers: ClinVar variation 977715 (VCV000977715.1), dbSNP rs1943556876, ClinGen allele CA383825314.